The following is an entry in ClinVar:

ClinVar aggregate classification (germline): Uncertain significance. Review status: criteria provided, multiple submitters, no conflicts (2 of 4 stars). 2 submissions from 2 submitters: Uncertain significance (2). Last evaluated 2023-08-10.

Allele frequency attached by ClinVar (database versions not stated): ExAC 0.00001; gnomAD 0.00001; TOPMed 0.00001.
gnomAD v4.1: 35 of 1,613,620 alleles (0.0022%); highest among the groups gnomAD compares: Non-Finnish European, 0.003%; no homozygotes.

Submissions (2):

Ambry Genetics
Classification: Uncertain significance. Last evaluated: 2023-08-10. Review status: criteria provided, single submitter. Criteria: Ambry Variant Classification Scheme 2023. Collection method: clinical testing. Allele origin: germline.

Labcorp Genetics (formerly Invitae), Labcorp
Classification: Uncertain significance. Last evaluated: 2023-04-01. Review status: criteria provided, single submitter. Criteria: Invitae Variant Classification Sherloc (09022015). Collection method: clinical testing. Allele origin: germline.
Comment: In summary, the available evidence is currently insufficient to determine the role of this variant in disease. Therefore, it has been classified as a Variant of Uncertain Significance. An algorithm developed to predict the effect of missense changes on protein structure and function (PolyPhen-2) suggests that this variant is likely to be tolerated. This variant has not been reported in the literature in individuals affected with KIF22-related conditions. This variant is present in population databases (rs766506749, gnomAD 0.002%). This sequence change replaces glutamic acid, which is acidic and polar, with valine, which is neutral and non-polar, at codon 577 of the KIF22 protein (p.Glu577Val).

NM_007317.3(KIF22):c.1730A>T (p.Glu577Val)

Gene: KIF22 (kinesin family member 22; plus strand). Cytogenetic location: 16p11.2.
Variant type: single nucleotide variant.
Coding change: c.1730A>T on transcript NM_007317.3 (MANE Select); coding-DNA position 1730, A replaced by T.
Protein change: p.Glu577Val; replaces glutamic acid 577 with valine.
Molecular consequence: missense variant.
Genome position (GRCh38, 1-based): chr16:29,804,866, A>T. VCF-style: chr16-29804866-A-T. GRCh37 (hg19) VCF-style: chr16-29816187-A-T.
Other names: c.1526A>T, p.Glu509Val (NM_001256269.2, NM_001256270.1); short protein forms E509V, E577V.
Identifiers: ClinVar variation 2594578 (VCV002594578.5), dbSNP rs766506749, ClinGen allele CA7993425.